The following is an entry in ClinVar:

ClinVar aggregate classification (germline): Pathogenic (0 of 4 stars; one submission).

Conditions:
Joubert syndrome 22 (JBTS22). Identifiers: Orphanet 2754, MedGen C3810278, MONDO:0014297, OMIM 615665.

Submission:

Molecular Genetics, Sadra Medical Genetics Laboratory
Classification: Pathogenic for Joubert syndrome 22. Last evaluated: 2021-11-06. Review status: no assertion criteria provided. Collection method: clinical testing. Allele origin: germline. Inheritance: Autosomal recessive inheritance. Affected: yes. Observed: 1 homozygote.
Comment: . In summary, the Trp237Ser variant meets our criteria to be classified as pathogenic based upon segregation studies, absence from controls, and of course clinical assessment by his medical team."

NM_002601.4(PDE6D):c.46A>T (p.Lys16Ter)

Gene: PDE6D (phosphodiesterase 6D; minus strand). Cytogenetic location: 2q37.1.
Variant type: single nucleotide variant.
Coding change: c.46A>T on transcript NM_002601.4 (MANE Select); coding-DNA position 46, A replaced by T.
Protein change: p.Lys16Ter; replaces lysine 16 with a stop codon.
Molecular consequence: nonsense. On other transcripts: non-coding transcript variant (1).
Genome position (GRCh38, 1-based): chr2:231,781,069, T>A on the plus strand (A>T on the coding strand, the complement: PDE6D is on the minus strand). VCF-style: chr2-231781069-T-A. GRCh37 (hg19) VCF-style: chr2-232645779-T-A.
Other names: c.46A>T, p.Lys16Ter (NM_001291018.2); short protein forms K16*.
Identifiers: ClinVar variation 1683781 (VCV001683781.3), dbSNP rs2106294164, ClinGen allele CA350979331.